The following is an entry in ClinVar:

NM_007194.4(CHEK2):c.1400T>G (p.Leu467Trp)

Gene: CHEK2 (checkpoint kinase 2; minus strand). Cytogenetic location: 22q12.1.
Variant type: single nucleotide variant.
Coding change: c.1400T>G on transcript NM_007194.4 (MANE Select); coding-DNA position 1400, T replaced by G.
Protein change: p.Leu467Trp; replaces leucine 467 with tryptophan.
Molecular consequence: missense variant.
Genome position (GRCh38, 1-based): chr22:28,694,093, A>C on the plus strand (T>G on the coding strand, the complement: CHEK2 is on the minus strand). VCF-style: chr22-28694093-A-C. GRCh37 (hg19) VCF-style: chr22-29090081-A-C.
Other names: c.1529T>G, p.Leu510Trp (NM_001005735.3); c.737T>G, p.Leu246Trp (NM_001257387.3); c.1199T>G, p.Leu400Trp (NM_001349956.3); c.1313T>G, p.Leu438Trp (NM_145862.3); short protein forms L467W, L400W, L510W, L246W, L438W.
Identifiers: ClinVar variation 460802 (VCV000460802.14), dbSNP rs1555913161, ClinGen allele CA411094400.

ClinVar aggregate classification (germline): Uncertain significance. Review status: criteria provided, multiple submitters, no conflicts (2 of 4 stars). 2 submissions from 2 submitters: Uncertain significance (2). Last evaluated 2023-11-17.

Conditions:
Hereditary cancer-predisposing syndrome. Also called: Neoplastic Syndromes, Hereditary; Tumor predisposition; Hereditary Cancer Syndrome; Hereditary neoplastic syndrome. Identifiers: Orphanet 140162, MedGen C0027672, MeSH D009386, MONDO:0015356.
Familial cancer of breast. Also called: BREAST CANCER, FAMILIAL; hereditary breast carcinoma; Hereditary breast cancer. Identifiers: Orphanet 227535, MedGen C0346153, MONDO:0016419, OMIM 114480. Disease mechanism: loss of function.
CHEK2-related cancer predisposition (TPDS4). Also called: CHEK2-related cancer susceptibility; TUMOR PREDISPOSITION SYNDROME 4; CANCER PREDISPOSITION SYNDROME, CHEK2-RELATED. Identifiers: Orphanet 524, MedGen C5882668, MONDO:0700271, OMIM 609265.

Submissions (2):

Labcorp Genetics (formerly Invitae), Labcorp
Classification: Uncertain significance for Familial cancer of breast. Last evaluated: 2023-11-17. Review status: criteria provided, single submitter. Criteria: Invitae Variant Classification Sherloc (09022015). Collection method: clinical testing. Allele origin: germline.
Comment: This sequence change replaces leucine, which is neutral and non-polar, with tryptophan, which is neutral and slightly polar, at codon 467 of the CHEK2 protein (p.Leu467Trp). This variant is not present in population databases (gnomAD no frequency). This variant has not been reported in the literature in individuals affected with CHEK2-related conditions. ClinVar contains an entry for this variant (Variation ID: 460802). An algorithm developed to predict the effect of missense changes on protein structure and function (PolyPhen-2) suggests that this variant is likely to be disruptive. In summary, the available evidence is currently insufficient to determine the role of this variant in disease. Therefore, it has been classified as a Variant of Uncertain Significance.

Ambry Genetics
Classification: Uncertain significance for Hereditary cancer-predisposing syndrome. Last evaluated: 2017-12-21. Review status: criteria provided, single submitter. Criteria: Ambry Variant Classification Scheme 2023. Collection method: clinical testing. Allele origin: germline.
Comment: The p.L467W variant (also known as c.1400T>G), located in coding exon 12 of the CHEK2 gene, results from a T to G substitution at nucleotide position 1400. The leucine at codon 467 is replaced by tryptophan, an amino acid with similar properties. This amino acid position is highly conserved in available vertebrate species. In addition, this alteration is predicted to be deleterious by in silico analysis. Since supporting evidence is limited at this time, the clinical significance of this alteration remains unclear.